The following is an entry in ClinVar:

ClinVar aggregate classification (germline): Likely pathogenic. Review status: criteria provided, multiple submitters, no conflicts (2 of 4 stars). 2 submissions from 2 submitters: Likely pathogenic (2). Last evaluated 2022-09-27.

Conditions:
Tuberous sclerosis 1 (TSC1). Identifiers: Orphanet 805, MedGen C1854465, MONDO:0008612, OMIM 191100.
TSC1-related disorder. Also called: TSC1-related condition.

Submissions (2):

Labcorp Genetics (formerly Invitae), Labcorp
Classification: Likely pathogenic for Tuberous sclerosis 1. Last evaluated: 2022-09-27. Review status: criteria provided, single submitter. Criteria: Invitae Variant Classification Sherloc (09022015). Collection method: clinical testing. Allele origin: germline.
Comment: In summary, the currently available evidence indicates that the variant is pathogenic, but additional data are needed to prove that conclusively. Therefore, this variant has been classified as Likely Pathogenic. Algorithms developed to predict the effect of sequence changes on RNA splicing suggest that this variant may disrupt the consensus splice site. ClinVar contains an entry for this variant (Variation ID: 936660). This variant has not been reported in the literature in individuals affected with TSC1-related conditions. This variant is not present in population databases (gnomAD no frequency). This sequence change affects a donor splice site in intron 11 of the TSC1 gene. It is expected to disrupt RNA splicing. Variants that disrupt the donor or acceptor splice site typically lead to a loss of protein function (PMID: 16199547), and loss-of-function variants in TSC1 are known to be pathogenic (PMID: 10227394, 17304050).

Blueprint Genetics
Classification: Likely pathogenic for TSC1-related disorders. Last evaluated: 2019-11-25. Review status: criteria provided, single submitter. Criteria: ACMG Guidelines, 2015. Collection method: clinical testing. Allele origin: germline. Affected: yes. Observed: 2 variant alleles.

Literature cited by the submitters: PubMed 16199547 (cited by Labcorp Genetics (formerly Invitae), Labcorp); PubMed 10227394 (cited by Labcorp Genetics (formerly Invitae), Labcorp); PubMed 17304050 (cited by Labcorp Genetics (formerly Invitae), Labcorp).

NM_000368.5(TSC1):c.1141+1G>A

Gene: TSC1 (TSC complex subunit 1; minus strand). Cytogenetic location: 9q34.13.
Variant type: single nucleotide variant.
Coding change: c.1141+1G>A on transcript NM_000368.5 (MANE Select); the canonical splice donor site of the intron after coding-DNA position 1141, G replaced by A.
Molecular consequence: splice donor variant.
Genome position (GRCh38, 1-based): chr9:132,911,001, C>T on the plus strand (G>A on the coding strand, the complement: TSC1 is on the minus strand). VCF-style: chr9-132911001-C-T. GRCh37 (hg19) VCF-style: chr9-135786388-C-T.
Other names: c.778+1G>A (NM_001406620.1, NM_001406618.1, NM_001406625.1 and 10 more transcripts); c.988+1G>A (NM_001406613.1, NM_001406612.1, NM_001406610.1 and 2 more transcripts); c.190+1G>A (NM_001406627.1, NM_001406628.1, NM_001406626.1); c.91+1G>A (NM_001406629.1, NM_001406630.1); c.1141+1G>A (NM_001406603.1, NM_001406609.1, NM_001406597.1 and 16 more transcripts).
Identifiers: ClinVar variation 936660 (VCV000936660.9), dbSNP rs397514819, ClinGen allele CA375367291.